The following is an entry in ClinVar:

ClinVar aggregate classification (germline): Uncertain significance (1 of 4 stars; one submission).

Submission:

Labcorp Genetics (formerly Invitae), Labcorp
Classification: Uncertain significance. Last evaluated: 2022-11-25. Review status: criteria provided, single submitter. Criteria: Invitae Variant Classification Sherloc (09022015). Collection method: clinical testing. Allele origin: germline.
Comment: This variant is not present in population databases (gnomAD no frequency). In summary, the available evidence is currently insufficient to determine the role of this variant in disease. Therefore, it has been classified as a Variant of Uncertain Significance. Advanced modeling of protein sequence and biophysical properties (such as structural, functional, and spatial information, amino acid conservation, physicochemical variation, residue mobility, and thermodynamic stability) performed at Invitae indicates that this missense variant is not expected to disrupt LRP2 protein function. This variant has not been reported in the literature in individuals affected with LRP2-related conditions. This sequence change replaces alanine, which is neutral and non-polar, with aspartic acid, which is acidic and polar, at codon 137 of the LRP2 protein (p.Ala137Asp).

NM_004525.3(LRP2):c.410C>A (p.Ala137Asp)

Gene: LRP2 (LDL receptor related protein 2; minus strand). Cytogenetic location: 2q31.1.
Variant type: single nucleotide variant.
Coding change: c.410C>A on transcript NM_004525.3 (MANE Select); coding-DNA position 410, C replaced by A.
Protein change: p.Ala137Asp; replaces alanine 137 with aspartic acid.
Molecular consequence: missense variant.
Genome position (GRCh38, 1-based): chr2:169,307,298, G>T on the plus strand (C>A on the coding strand, the complement: LRP2 is on the minus strand). VCF-style: chr2-169307298-G-T. GRCh37 (hg19) VCF-style: chr2-170163808-G-T.
Other names: short protein forms A137D.
Identifiers: ClinVar variation 2956058 (VCV002956058.3), dbSNP rs1574240909, ClinGen allele CA349168284.
Genomic context (GRCh38, chr2:169,307,298, plus strand): 5'-AAGGGTGAAACCAAATACAGTGCAAGGACTAAAACAGACTCACGGCAGTCATTCTCATCA[G>T]CTCCATCGGGGCAGTCTCTGACGTGGTCGCACCTGTATTCACTTGGGATACACTGACCAT-3'
Protein context (NP_004516.2, residues 127-147): CDHVRDCPDG[Ala137Asp]DENDCQYPTC